The following is an entry in ClinVar:

ClinVar aggregate classification (germline): Uncertain significance (1 of 4 stars; one submission).

gnomAD v4.1: 1 of 1,614,044 alleles (0.000062%); no homozygotes.

Submission:

GeneDx
Classification: Uncertain significance. Last evaluated: 2026-04-22. Review status: criteria provided, single submitter. Criteria: GeneDx Variant Classification Process June 2021. Collection method: clinical testing. Allele origin: germline.
Comment: Not observed at significant frequency in large population cohorts (gnomAD); In silico analysis supports that this missense variant has a deleterious effect on protein structure/function; Has not been previously published as pathogenic or benign to our knowledge

NM_001244926.2(PRPF4):c.773C>G (p.Ser258Cys)

Gene: PRPF4 (pre-mRNA splicing tri-snRNP complex factor PRPF4; plus strand). Cytogenetic location: 9q32.
Variant type: single nucleotide variant.
Coding change: c.773C>G on transcript NM_001244926.2 (MANE Select); coding-DNA position 773, C replaced by G.
Protein change: p.Ser258Cys; replaces serine 258 with cysteine.
Molecular consequence: missense variant. On other transcripts: non-coding transcript variant (2).
Genome position (GRCh38, 1-based): chr9:113,286,255, C>G. VCF-style: chr9-113286255-C-G. GRCh37 (hg19) VCF-style: chr9-116048535-C-G.
Other names: c.47C>G, p.Ser16Cys (NM_001322266.2, NM_001322267.2); c.776C>G, p.Ser259Cys (NM_004697.5); short protein forms S16C, S258C, S259C.
Identifiers: ClinVar variation 5037414 (VCV005037414.1).
Genomic context (GRCh38, chr9:113,286,255, plus strand): 5'-CAACCCTGGCTGAGATGCTTTCCTTTGTATTTGATAGGAGTGGGCTTTGCAAGCTCTGGT[C>G]TGTTCCTGATTGCAACCTCCTTCACACTCTTCGAGGTAAGTTAGAGTCTTATCCAAATCT-3'
Protein context (NP_001231855.1, residues 248-268): ACWSGLCKLW[Ser258Cys]VPDCNLLHTL